The following is an entry in ClinVar:

NM_015335.5(MED13L):c.3346_3347dup (p.Asp1117fs)

Gene: MED13L (mediator complex subunit 13L; minus strand). Cytogenetic location: 12q24.21.
Variant type: Microsatellite.
Coding change: c.3346_3347dup on transcript NM_015335.5 (MANE Select); coding-DNA positions 3346 to 3347, 2 bases duplicated (TC; older notation c.3346_3347dupTC).
Protein change: p.Asp1117fs; shifts the reading frame from aspartic acid 1117.
Molecular consequence: frameshift variant.
Genome position (GRCh38, 1-based): chr12:115,991,607-115,991,608, GA duplicated on the plus strand (TC on the coding strand, the reverse complement: MED13L is on the minus strand); duplicating any 2 consecutive bases within chr12:115,991,607-115,991,612 gives the same sequence; the c. name uses the placement nearest the transcript's 3' end. VCF-style (leftmost placement, unchanged base first): chr12-115991606-G-GGA. GRCh37 (hg19) VCF-style: chr12-116429411-G-GGA.
Other names: short protein forms D1117fs.
Identifiers: ClinVar variation 1687615 (VCV001687615.1), dbSNP rs2137306954, ClinGen allele CA2580614575.

ClinVar aggregate classification (germline): Likely pathogenic (1 of 4 stars; one submission).

Conditions:
Cardiac anomalies - developmental delay - facial dysmorphism syndrome (MRFACD). Also called: Impaired intellectual development and distinctive facial features with or without cardiac defects; MED13L Syndrome. Identifiers: Orphanet 369891, MedGen C5192431, MONDO:0014773, OMIM 616789.

Submission:

3billion
Classification: Likely pathogenic for Cardiac anomalies - developmental delay - facial dysmorphism syndrome. Last evaluated: 2022-05-22. Review status: criteria provided, single submitter. Criteria: ACMG Guidelines, 2015. Collection method: clinical testing. Allele origin: germline. Affected: yes. Observed: 1 heterozygote.
Comment: The variant is not observed in the gnomAD v2.1.1 dataset. Frameshift: predicted to result in a loss or disruption of normal protein function through nonsense-mediated decay (NMD) or protein truncation. Multiple pathogenic variants are reported downstream of the variant. Therefore, this variant is classified as likely pathogenic according to the recommendation of ACMG/AMP guideline.